The following is an entry in ClinVar:

NM_015488.5(PNKD):c.926T>C (p.Leu309Pro)

Genes: CATIP-AS2 (CATIP antisense RNA 2; minus strand), PNKD (PNKD metallo-beta-lactamase domain containing; plus strand). Cytogenetic location: 2q35.
Variant type: single nucleotide variant.
Coding change: c.926T>C on transcript NM_015488.5 (MANE Select); coding-DNA position 926, T replaced by C.
Protein change: p.Leu309Pro; replaces leucine 309 with proline.
Molecular consequence: missense variant.
Genome position (GRCh38, 1-based): chr2:218,344,512, T>C. VCF-style: chr2-218344512-T-C. GRCh37 (hg19) VCF-style: chr2-219209235-T-C.
Other names: c.854T>C, p.Leu285Pro (NM_022572.5); short protein forms L309P, L285P.
Identifiers: ClinVar variation 2161084 (VCV002161084.4), dbSNP rs2469473378, ClinGen allele CA350542808.

ClinVar aggregate classification (germline): Uncertain significance (1 of 4 stars; one submission).

Conditions:
Paroxysmal nonkinesigenic dyskinesia. Also called: Paroxysmal non-kinesigenic dyskinesia. Identifiers: Orphanet 98810, MedGen C1869117, MONDO:0700088.

Allele frequency attached by ClinVar (database versions not stated): gnomAD exomes below 0.00001.
gnomAD v4.1: 4 of 1,593,330 alleles (0.00025%); highest among the groups gnomAD compares: Non-Finnish European, 0.00034%; no homozygotes.

Submission:

Labcorp Genetics (formerly Invitae), Labcorp
Classification: Uncertain significance for Paroxysmal nonkinesigenic dyskinesia. Last evaluated: 2022-09-21. Review status: criteria provided, single submitter. Criteria: Invitae Variant Classification Sherloc (09022015). Collection method: clinical testing. Allele origin: germline.
Comment: In summary, the available evidence is currently insufficient to determine the role of this variant in disease. Therefore, it has been classified as a Variant of Uncertain Significance. Advanced modeling of protein sequence and biophysical properties (such as structural, functional, and spatial information, amino acid conservation, physicochemical variation, residue mobility, and thermodynamic stability) performed at Invitae indicates that this missense variant is not expected to disrupt PNKD protein function. This variant has not been reported in the literature in individuals affected with PNKD-related conditions. This variant is not present in population databases (gnomAD no frequency). This sequence change replaces leucine, which is neutral and non-polar, with proline, which is neutral and non-polar, at codon 309 of the PNKD protein (p.Leu309Pro).